The following is an entry in ClinVar:

NM_000135.4(FANCA):c.2470T>G (p.Cys824Gly)

Gene: FANCA (FA complementation group A; minus strand). Cytogenetic location: 16q24.3.
Variant type: single nucleotide variant.
Coding change: c.2470T>G on transcript NM_000135.4 (MANE Select); coding-DNA position 2470, T replaced by G.
Protein change: p.Cys824Gly; replaces cysteine 824 with glycine.
Molecular consequence: missense variant.
Genome position (GRCh38, 1-based): chr16:89,769,871, A>C on the plus strand (T>G on the coding strand, the complement: FANCA is on the minus strand). VCF-style: chr16-89769871-A-C. GRCh37 (hg19) VCF-style: chr16-89836279-A-C.
Other names: c.2470T>G, p.Cys824Gly (NM_001286167.3); short protein forms C824G.
Identifiers: ClinVar variation 4022172 (VCV004022172.1).
Genomic context (GRCh38, chr16:89,769,871, plus strand): 5'-GACGCGACTGTGGAAGAAGAGCTCACTTCAGGCAGAAGAACAAGGAATCCCTCGTCCTAC[A>C]GGTCAGGAGGCTGTCAAAGAGCGCAGGGACAGGAAGGCCAGCACCAGGTGCAGGAGGACC-3'
Protein context (NP_000126.2, residues 814-834): VPALFDSLLT[Cys824Gly]RTRDSLFFCL

ClinVar aggregate classification (germline): Uncertain significance (1 of 4 stars; one submission).

Conditions:
Inborn genetic diseases. Identifiers: MedGen C0950123, MeSH D030342.

gnomAD v4.1: 2 of 1,614,168 alleles (0.00012%); highest among the groups gnomAD compares: African/African-American, 0.0027%; no homozygotes.

Submission:

Ambry Genetics
Classification: Uncertain significance for Inborn genetic diseases. Last evaluated: 2025-04-10. Review status: criteria provided, single submitter. Criteria: Ambry Variant Classification Scheme 2023. Collection method: clinical testing. Allele origin: germline.
Comment: The p.C824G variant (also known as c.2470T>G), located in coding exon 26 of the FANCA gene, results from a T to G substitution at nucleotide position 2470. The cysteine at codon 824 is replaced by glycine, an amino acid with highly dissimilar properties. This amino acid position is conserved. In addition, the in silico prediction for this alteration is inconclusive. Based on the available evidence, the clinical significance of this variant remains unclear.